The following is an entry in ClinVar:

NM_001205293.3(CACNA1E):c.3376G>T (p.Ala1126Ser)

Gene: CACNA1E (calcium voltage-gated channel subunit alpha1 E; plus strand). Cytogenetic location: 1q25.3.
Variant type: single nucleotide variant.
Coding change: c.3376G>T on transcript NM_001205293.3 (MANE Select); coding-DNA position 3376, G replaced by T.
Protein change: p.Ala1126Ser; replaces alanine 1126 with serine.
Molecular consequence: missense variant.
Genome position (GRCh38, 1-based): chr1:181,736,388, G>T. VCF-style: chr1-181736388-G-T. GRCh37 (hg19) VCF-style: chr1-181705524-G-T.
Other names: c.3376G>T (NM_001205293.1); c.3376G>T, p.Ala1126Ser (NM_000721.4); c.3319G>T, p.Ala1107Ser (NM_001205294.2); short protein forms A1107S, A1126S.
Identifiers: ClinVar variation 1327331 (VCV001327331.7), dbSNP rs1378877596, ClinGen allele CA343621683.

ClinVar aggregate classification (germline): Conflicting classifications of pathogenicity. Review status: criteria provided, conflicting classifications (1 of 4 stars). 3 submissions from 3 submitters: Uncertain significance (1); Likely benign (2). Last evaluated 2025-07-31.

Conditions:
Inborn genetic diseases. Identifiers: MedGen C0950123, MeSH D030342.

gnomAD v4.1: 5 of 1,612,516 alleles (0.00031%); highest among the groups gnomAD compares: African/African-American, 0.0013%; no homozygotes.

Submissions (3):

Labcorp Genetics (formerly Invitae), Labcorp
Classification: Likely benign. Last evaluated: 2025-07-31. Review status: criteria provided, single submitter. Criteria: Invitae Variant Classification Sherloc (09022015). Collection method: clinical testing. Allele origin: germline.

Ambry Genetics
Classification: Uncertain significance for Inborn genetic diseases. Last evaluated: 2025-01-10. Review status: criteria provided, single submitter. Criteria: Ambry Variant Classification Scheme 2023. Collection method: clinical testing. Allele origin: germline.

GeneDx
Classification: Likely benign. Last evaluated: 2021-06-22. Review status: criteria provided, single submitter. Criteria: GeneDx Variant Classification Process June 2021. Collection method: clinical testing. Allele origin: germline. Affected: yes.
Comment: Not observed at significant frequency in large population cohorts (Lek et al., 2016); In silico analysis supports that this missense variant does not alter protein structure/function; Has not been previously published as pathogenic or benign to our knowledge; This variant is associated with the following publications: (PMID: 27535533)